The following is an entry in ClinVar:

ClinVar aggregate classification (germline): Pathogenic. Review status: reviewed by expert panel (3 of 4 stars). 6 submissions from 6 submitters: Pathogenic (1). 5 of the submissions do not count toward it. Last evaluated 2016-09-08.

Conditions:
Hereditary cancer-predisposing syndrome. Also called: Tumor predisposition; Hereditary Cancer Syndrome; Neoplastic Syndromes, Hereditary; Hereditary neoplastic syndrome. Identifiers: Orphanet 140162, MedGen C0027672, MeSH D009386, MONDO:0015356.
Hereditary breast ovarian cancer syndrome. Also called: Hereditary breast and ovarian cancer; Breast and ovarian cancer; Hereditary breast and/or ovarian cancer syndrome; BRCA1- and BRCA2-Associated Hereditary Breast and Ovarian Cancer; Hereditary breast and ovarian cancer syndrome; Hereditary breast and ovarian cancer syndrome (HBOC). Identifiers: Orphanet 145, MedGen C0677776, MeSH D061325, MONDO:0003582. Disease mechanism: loss of function.
Breast-ovarian cancer, familial, susceptibility to, 2 (BROVCA2). Also called: BRCA2 Hereditary Breast and Ovarian Cancer. Identifiers: Orphanet 145, MedGen C2675520, MONDO:0012933, OMIM 612555. Disease mechanism: loss of function.

Submissions (6):

Evidence-based Network for the Interpretation of Germline Mutant Alleles (ENIGMA)
Classification: Pathogenic for Breast-ovarian cancer, familial, susceptibility to, 2. Last evaluated: 2016-09-08. Review status: reviewed by expert panel. Criteria: ENIGMA BRCA1/2 Classification Criteria (2015). Collection method: curation. Allele origin: germline.
Comment: Variant allele predicted to encode a truncated non-functional protein.

Ambry Genetics
Classification: Pathogenic for Hereditary cancer-predisposing syndrome. Last evaluated: 2025-08-25. Review status: criteria provided, single submitter. Criteria: Ambry Variant Classification Scheme 2023. Collection method: clinical testing. Allele origin: germline. Not counted in ClinVar's aggregate classification.
Comment: The c.3295delT pathogenic mutation, located in coding exon 10 of the BRCA2 gene, results from a deletion of one nucleotide at nucleotide position 3295, causing a translational frameshift with a predicted alternate stop codon (p.S1099Qfs*5). This mutation has been reported in multiple breast and/or ovarian cancer cohorts (Zhang S et al. Gynecol Oncol, 2011 May;121:353-7; Li YT et al. Eur J Med Res, 2014 Jun;19:35; Shi T et al. Int J Cancer, 2017 05;140:2051-2059). Of note, this alteration is also designated as c.3294delT and 3522delT in published literature. In addition to the clinical data presented in the literature, this alteration is expected to result in loss of function by premature protein truncation or nonsense-mediated mRNA decay. As such, this alteration is interpreted as a disease-causing mutation.

Labcorp Genetics (formerly Invitae), Labcorp
Classification: Pathogenic for Hereditary breast ovarian cancer syndrome. Last evaluated: 2024-09-17. Review status: criteria provided, single submitter. Criteria: Invitae Variant Classification Sherloc (09022015). Collection method: clinical testing. Allele origin: germline. Not counted in ClinVar's aggregate classification.
Comment: This sequence change creates a premature translational stop signal (p.Ser1099Glnfs*5) in the BRCA2 gene. It is expected to result in an absent or disrupted protein product. Loss-of-function variants in BRCA2 are known to be pathogenic (PMID: 20104584). This variant is not present in population databases (gnomAD no frequency). This premature translational stop signal has been observed in individual(s) with ovarian cancer (PMID: 21324516). This variant is also known as 3522delT. ClinVar contains an entry for this variant (Variation ID: 254516). For these reasons, this variant has been classified as Pathogenic.

Counsyl
Classification: Pathogenic for Breast-ovarian cancer, familial, susceptibility to, 2. Last evaluated: 2016-11-14. Review status: no assertion criteria provided. Collection method: clinical testing. Allele origin: unknown. Not counted in ClinVar's aggregate classification.

Research Molecular Genetics Laboratory, Women's College Hospital, University of Toronto
Classification: Pathogenic for Hereditary breast ovarian cancer syndrome. Last evaluated: 2014-01-31. Review status: no assertion criteria provided. Collection method: research. Allele origin: germline. Affected: yes. Study: The Canadian Open Genetics Repository (COGR). Not counted in ClinVar's aggregate classification.

Breast Cancer Information Core (BIC) (BRCA2)
Classification: Pathogenic for Breast-ovarian cancer, familial 2. Last evaluated: 1999-12-30. Review status: no assertion criteria provided. Collection method: clinical testing. Allele origin: germline. Affected: yes. Observed: 2 variant alleles. Not counted in ClinVar's aggregate classification.

Literature cited by the submitters: PubMed 21324516 (cited by 3 submitters); PubMed 24961674 (cited by Ambry Genetics); PubMed 28176296 (cited by Ambry Genetics); PubMed 20104584 (cited by Labcorp Genetics (formerly Invitae), Labcorp).

NM_000059.4(BRCA2):c.3295del (p.Ser1099fs)

Gene: BRCA2 (BRCA2 DNA repair associated; plus strand). Cytogenetic location: 13q13.1.
Variant type: Deletion.
Coding change: c.3295del on transcript NM_000059.4 (MANE Select); coding-DNA position 3295, one base deleted (T; older notation c.3295delT).
Protein change: p.Ser1099fs; shifts the reading frame from serine 1099.
Molecular consequence: frameshift variant.
Genome position (GRCh38, 1-based): chr13:32,337,650, T deleted; the last of 2 consecutive T bases (chr13:32,337,649-32,337,650); deleting either gives the same sequence. VCF-style (leftmost placement, unchanged base first): chr13-32337648-AT-A. GRCh37 (hg19) VCF-style: chr13-32911785-AT-A.
Other names: 3522delT; c.3294delT (NM_000059.3); c.3295delT (NM_000059.3); short protein forms S1099fs.
Identifiers: ClinVar variation 254516 (VCV000254516.11), dbSNP rs80359383, ClinGen allele CA017723.